The following is an entry in ClinVar:

NM_020822.3(KCNT1):c.1769+98G>A

Gene: KCNT1 (potassium sodium-activated channel subfamily T member 1; plus strand). Cytogenetic location: 9q34.3.
Variant type: single nucleotide variant.
Coding change: c.1769+98G>A on transcript NM_020822.3 (MANE Select); 98 bases into the intron after coding-DNA position 1769, G replaced by A.
Molecular consequence: intron variant.
Genome position (GRCh38, 1-based): chr9:135,770,545, G>A. VCF-style: chr9-135770545-G-A. GRCh37 (hg19) VCF-style: chr9-138662391-G-A.
Other names: c.1634+98G>A (NM_001272003.2).
Identifiers: ClinVar variation 674497 (VCV000674497.2), dbSNP rs145655663, ClinGen allele CA201473049.

ClinVar aggregate classification (germline): Likely benign. Review status: criteria provided, multiple submitters, no conflicts (2 of 4 stars). 2 submissions from 2 submitters: Likely benign (2). Last evaluated 2018-06-19.

Allele frequency attached by ClinVar (database versions not stated): gnomAD exomes 0.01872; 1000 Genomes Project 0.02336; gnomAD 0.02433 and 0.02497; 1000 Genomes Project 30x 0.02467; TOPMed 0.02737.
gnomAD v4.1: 28,531 of 1,462,026 alleles (2%); highest among the groups gnomAD compares: Middle Eastern, 6.7%; 391 homozygotes.

Submissions (2):

GeneDx
Classification: Likely benign. Last evaluated: 2018-06-19. Review status: criteria provided, single submitter. Criteria: GeneDx Variant Classification (06012015). Collection method: clinical testing. Allele origin: germline. Affected: yes.
Comment: This variant is considered likely benign or benign based on one or more of the following criteria: it is a conservative change, it occurs at a poorly conserved position in the protein, it is predicted to be benign by multiple in silico algorithms, and/or has population frequency not consistent with disease.

Breakthrough Genomics
Classification: Likely benign. Review status: criteria provided, single submitter. Criteria: ACMG Guidelines, 2015. Collection method: not provided. Allele origin: germline. Inheritance: Autosomal dominant inheritance. Affected: yes.